The following is an entry in ClinVar:

ClinVar aggregate classification (germline): Uncertain significance (1 of 4 stars; one submission).

Conditions:
Developmental and epileptic encephalopathy, 23 (DEE23). Also called: Epileptic encephalopathy, early infantile, 23. Identifiers: Orphanet 411986, MedGen C4014492, MONDO:0014371, OMIM 615859.

Submission:

Labcorp Genetics (formerly Invitae), Labcorp
Classification: Uncertain significance for Developmental and epileptic encephalopathy, 23. Last evaluated: 2023-04-19. Review status: criteria provided, single submitter. Criteria: Invitae Variant Classification Sherloc (09022015). Collection method: clinical testing. Allele origin: germline.
Comment: This variant has not been reported in the literature in individuals affected with DOCK7-related conditions. In summary, the available evidence is currently insufficient to determine the role of this variant in disease. Therefore, it has been classified as a Variant of Uncertain Significance. Advanced modeling of protein sequence and biophysical properties (such as structural, functional, and spatial information, amino acid conservation, physicochemical variation, residue mobility, and thermodynamic stability) performed at Invitae indicates that this missense variant is not expected to disrupt DOCK7 protein function. ClinVar contains an entry for this variant (Variation ID: 2013651). This variant is not present in population databases (gnomAD no frequency). This sequence change replaces asparagine, which is neutral and polar, with tyrosine, which is neutral and polar, at codon 1924 of the DOCK7 protein (p.Asn1924Tyr).

NM_001367561.1(DOCK7):c.5803A>T (p.Asn1935Tyr)

Gene: DOCK7 (dedicator of cytokinesis 7; minus strand). Cytogenetic location: 1p31.3.
Variant type: single nucleotide variant.
Coding change: c.5803A>T on transcript NM_001367561.1 (MANE Select); coding-DNA position 5803, A replaced by T.
Protein change: p.Asn1935Tyr; replaces asparagine 1935 with tyrosine.
Molecular consequence: missense variant.
Genome position (GRCh38, 1-based): chr1:62,475,865, T>A on the plus strand (A>T on the coding strand, the complement: DOCK7 is on the minus strand). VCF-style: chr1-62475865-T-A. GRCh37 (hg19) VCF-style: chr1-62941536-T-A.
Other names: c.5770A>T, p.Asn1924Tyr (NM_001271999.2); c.5683A>T, p.Asn1895Tyr (NM_001272000.2); c.5677A>T, p.Asn1893Tyr (NM_001272001.2); c.5776A>T, p.Asn1926Tyr (NM_001330614.2); c.5710A>T, p.Asn1904Tyr (NM_033407.4); short protein forms N1893Y, N1895Y, N1904Y, N1924Y, N1935Y, N1926Y.
Identifiers: ClinVar variation 2013651 (VCV002013651.4), dbSNP rs2523739700, ClinGen allele CA340603583.
Genomic context (GRCh38, chr1:62,475,865, plus strand): 5'-CATGGGCACGGCCATCTAAAGTAAAGGGTGTACAGTACATGAATCGACGAAGATTGTAAT[T>A]TTTGTCGAAATAGGTGATTCTGTCCTTCATCTCATATGTGTCAAAGTATGGCTCCACATA-3'
Protein context (NP_001354490.1, residues 1925-1945): MKDRITYFDK[Asn1935Tyr]YNLRRFMYCT